The following is an entry in ClinVar:

ClinVar aggregate classification (germline): Uncertain significance (1 of 4 stars; one submission).

Conditions:
Congenital myopathy with internal nuclei and atypical cores. Also called: Myopathy, centronuclear, 4. Identifiers: Orphanet 319160, MedGen C4707232, MONDO:0013890, OMIM 614807.

gnomAD v4.1: 2 of 1,612,568 alleles (0.00012%); highest among the groups gnomAD compares: Admixed American, 0.0033%; no homozygotes.

Submission:

Labcorp Genetics (formerly Invitae), Labcorp
Classification: Uncertain significance for Congenital myopathy with internal nuclei and atypical cores. Last evaluated: 2019-08-14. Review status: criteria provided, single submitter. Criteria: Invitae Variant Classification Sherloc (09022015). Collection method: clinical testing. Allele origin: germline.
Comment: In summary, the available evidence is currently insufficient to determine the role of this variant in disease. Therefore, it has been classified as a Variant of Uncertain Significance. Algorithms developed to predict the effect of missense changes on protein structure and function are either unavailable or do not agree on the potential impact of this missense change (SIFT: "Tolerated"; PolyPhen-2: "Probably Damaging"; Align-GVGD: "Class C0"). This variant has not been reported in the literature in individuals with CCDC78-related conditions. This variant is not present in population databases (ExAC no frequency). This sequence change replaces proline with arginine at codon 114 of the CCDC78 protein (p.Pro114Arg). The proline residue is moderately conserved and there is a moderate physicochemical difference between proline and arginine.

NM_001378030.1(CCDC78):c.341C>G (p.Pro114Arg)

Gene: CCDC78 (coiled-coil domain containing 78; minus strand). Cytogenetic location: 16p13.3.
Variant type: single nucleotide variant.
Coding change: c.341C>G on transcript NM_001378030.1 (MANE Select); coding-DNA position 341, C replaced by G.
Protein change: p.Pro114Arg; replaces proline 114 with arginine.
Molecular consequence: missense variant. On other transcripts: non-coding transcript variant (5), intron variant (1).
Genome position (GRCh38, 1-based): chr16:725,507, G>C on the plus strand (C>G on the coding strand, the complement: CCDC78 is on the minus strand). VCF-style: chr16-725507-G-C. GRCh37 (hg19) VCF-style: chr16-775507-G-C.
Other names: c.341C>G, p.Pro114Arg (NM_001031737.3, NM_001378031.1); c.-18-214C>G (NM_001378033.1); short protein forms P114R.
Identifiers: ClinVar variation 946547 (VCV000946547.9), dbSNP rs749051279, ClinGen allele CA394103719.
Genomic context (GRCh38, chr16:725,507, plus strand): 5'-TGGGCTTTGTGTCTGAGCTCTTGGGCTGCTGCCCGGGGATGCCTGGGGTCAGACTCCACT[G>C]GGACTGCACAGCCCTGGCTGGTGCCATCTCCTCGCAGCTCCAGCTCCAGTACCCGGCTCT-3'
Protein context (NP_001364959.1, residues 104-124): GDGTSQGCAV[Pro114Arg]VESDPRHPRA